The following is an entry in ClinVar:

NM_001199267.2(DGKZ):c.496G>A (p.Glu166Lys)

Genes: DGKZ (diacylglycerol kinase zeta; plus strand), LOC126861204 (CDK7 strongly-dependent group 2 enhancer GRCh37_chr11:46390736-46391935; plus strand). Cytogenetic location: 11p11.2.
Variant type: single nucleotide variant.
Coding change: c.496G>A on transcript NM_001199267.2 (MANE Select); coding-DNA position 496, G replaced by A.
Protein change: p.Glu166Lys; replaces glutamic acid 166 with lysine.
Molecular consequence: missense variant.
Genome position (GRCh38, 1-based): chr11:46,369,548, G>A. VCF-style: chr11-46369548-G-A. GRCh37 (hg19) VCF-style: chr11-46391098-G-A.
Other names: c.1063G>A, p.Glu355Lys (NM_001105540.2); c.499G>A, p.Glu167Lys (NM_001199266.2, NM_001199268.2, NM_003646.4); c.547G>A, p.Glu183Lys (NM_201532.3); c.511G>A, p.Glu171Lys (NM_201533.3); short protein forms E167K, E355K, E166K, E171K, E183K.
Identifiers: ClinVar variation 1508474 (VCV001508474.6), dbSNP rs200877028, ClinGen allele CA221606060.

ClinVar aggregate classification (germline): Uncertain significance (1 of 4 stars; one submission).

Allele frequency attached by ClinVar (database versions not stated): gnomAD 0.00001; TOPMed 0.00001; gnomAD exomes 0.00003.
gnomAD v4.1: 38 of 1,612,540 alleles (0.0024%); highest among the groups gnomAD compares: Non-Finnish European, 0.0031%; no homozygotes.

Submission:

Labcorp Genetics (formerly Invitae), Labcorp
Classification: Uncertain significance. Last evaluated: 2021-11-15. Review status: criteria provided, single submitter. Criteria: Invitae Variant Classification Sherloc (09022015). Collection method: clinical testing. Allele origin: germline.
Comment: This variant has not been reported in the literature in individuals affected with DGKZ-related conditions. Algorithms developed to predict the effect of missense changes on protein structure and function are either unavailable or do not agree on the potential impact of this missense change (SIFT: "Deleterious"; PolyPhen-2: "Probably Damaging"; Align-GVGD: "Class C0"). In summary, the available evidence is currently insufficient to determine the role of this variant in disease. Therefore, it has been classified as a Variant of Uncertain Significance. This sequence change replaces glutamic acid, which is acidic and polar, with lysine, which is basic and polar, at codon 355 of the DGKZ protein (p.Glu355Lys). This variant is present in population databases (rs200877028, gnomAD 0.01%).